The following is an entry in ClinVar:

ClinVar aggregate classification (germline): Likely benign. Review status: criteria provided, single submitter (1 of 4 stars). 2 submissions from 2 submitters: Likely benign (1). 1 of the submissions does not count toward it. Last evaluated 2026-07-04.

Conditions:
ABCG8-related disorder. Also called: ABCG8-related condition.
Cardiovascular phenotype. Identifiers: MedGen CN230736.

gnomAD v4.1: 1 of 1,614,114 alleles (0.000062%); highest among the groups gnomAD compares: Non-Finnish European, 0.000085%; no homozygotes.

Submissions (2):

Ambry Genetics
Classification: Likely benign for Cardiovascular phenotype. Last evaluated: 2026-07-04. Review status: criteria provided, single submitter. Criteria: Ambry Variant Classification Scheme 2023. Collection method: clinical testing. Allele origin: germline.

PreventionGenetics, part of Exact Sciences
Classification: Likely benign for ABCG8-related condition. Last evaluated: 2022-08-31. Review status: no assertion criteria provided. Collection method: clinical testing. Allele origin: germline. Not counted in ClinVar's aggregate classification.
Comment: This variant is classified as likely benign based on ACMG/AMP sequence variant interpretation guidelines (Richards et al. 2015 PMID: 25741868, with internal and published modifications).

NM_022437.3(ABCG8):c.1860C>T (p.Leu620=)

Gene: ABCG8 (ATP binding cassette subfamily G member 8; plus strand). Cytogenetic location: 2p21.
Variant type: single nucleotide variant.
Coding change: c.1860C>T on transcript NM_022437.3 (MANE Select); coding-DNA position 1860, C replaced by T.
Protein change: p.Leu620=; no amino-acid change (leucine 620 retained).
Molecular consequence: synonymous variant.
Genome position (GRCh38, 1-based): chr2:43,877,664, C>T. VCF-style: chr2-43877664-C-T. GRCh37 (hg19) VCF-style: chr2-44104803-C-T.
Other names: c.1857C>T, p.Leu619= (NM_001357321.2).
Identifiers: ClinVar variation 3044198 (VCV003044198.3), dbSNP rs2104952329, ClinGen allele CA425908251.